The following is an entry in ClinVar:

ClinVar aggregate classification (germline): Uncertain significance (1 of 4 stars; one submission).

Conditions:
Progressive sclerosing poliodystrophy (MTDPS4A). Also called: ALPERS PROGRESSIVE INFANTILE POLIODYSTROPHY; NEURONAL DEGENERATION OF CHILDHOOD WITH LIVER DISEASE, PROGRESSIVE; Mitochondrial DNA Depletion Syndrome 4A; Alpers Syndrome; ALPERS DIFFUSE DEGENERATION OF CEREBRAL GRAY MATTER WITH HEPATIC CIRRHOSIS; Alpers-Huttenlocher Syndrome. Identifiers: Orphanet 726, MedGen C0205710, MONDO:0008758, OMIM 203700.

Submission:

Labcorp Genetics (formerly Invitae), Labcorp
Classification: Uncertain significance for Progressive sclerosing poliodystrophy. Last evaluated: 2025-06-02. Review status: criteria provided, single submitter. Criteria: Invitae Variant Classification Sherloc (09022015). Collection method: clinical testing. Allele origin: germline.
Comment: This sequence change replaces serine, which is neutral and polar, with proline, which is neutral and non-polar, at codon 1086 of the POLG protein (p.Ser1086Pro). This variant is not present in population databases (gnomAD no frequency). This variant has not been reported in the literature in individuals affected with POLG-related conditions. Invitae Evidence Modeling of protein sequence and biophysical properties (such as structural, functional, and spatial information, amino acid conservation, physicochemical variation, residue mobility, and thermodynamic stability) indicates that this missense variant is not expected to disrupt POLG protein function with a negative predictive value of 95%. In summary, the available evidence is currently insufficient to determine the role of this variant in disease. Therefore, it has been classified as a Variant of Uncertain Significance.

NM_002693.3(POLG):c.3256T>C (p.Ser1086Pro)

Gene: POLG (DNA polymerase gamma, catalytic subunit; minus strand). Cytogenetic location: 15q26.1.
Variant type: single nucleotide variant.
Coding change: c.3256T>C on transcript NM_002693.3 (MANE Select); coding-DNA position 3256, T replaced by C.
Protein change: p.Ser1086Pro; replaces serine 1086 with proline.
Molecular consequence: missense variant.
Genome position (GRCh38, 1-based): chr15:89,318,948, A>G on the plus strand (T>C on the coding strand, the complement: POLG is on the minus strand). VCF-style: chr15-89318948-A-G. GRCh37 (hg19) VCF-style: chr15-89862179-A-G.
Other names: c.3256T>C, p.Ser1086Pro (NM_001126131.2); short protein forms S1086P.
Identifiers: ClinVar variation 4810617 (VCV004810617.1).